The following is an entry in ClinVar:

NM_022081.6(HPS4):c.804-2A>T

Gene: HPS4 (HPS4 biogenesis of lysosomal organelles complex 3 subunit 2; minus strand). Cytogenetic location: 22q12.1.
Variant type: single nucleotide variant.
Coding change: c.804-2A>T on transcript NM_022081.6 (MANE Select); the canonical splice acceptor site of the intron before coding-DNA position 804, A replaced by T.
Molecular consequence: splice acceptor variant.
Genome position (GRCh38, 1-based): chr22:26,464,828, T>A on the plus strand (A>T on the coding strand, the complement: HPS4 is on the minus strand). VCF-style: chr22-26464828-T-A. GRCh37 (hg19) VCF-style: chr22-26860794-T-A.
Other names: c.804-2A>T (NM_001349905.1, NM_001349904.2, NM_001349902.1 and 5 more transcripts); c.858-2A>T (NM_001349901.1, NM_001349900.2); c.789-2A>T (NM_152841.2).
Identifiers: ClinVar variation 2881821 (VCV002881821.3), dbSNP rs2088169859, ClinGen allele CA411028935.
Genomic context (GRCh38, chr22:26,464,828, plus strand): 5'-CACCCTTTGGATGGTGCTGGGCTGAACCATCCTGGAGTCCTGCTGGAGATGCTAGAGACC[T>A]GGCAAACAAGAGAGATGTAAGGAAGGGGCACGTTGACAGACTGCAGGGCAAGTGCCCTTC-3'

ClinVar aggregate classification (germline): Likely pathogenic (1 of 4 stars; one submission).

Submission:

Labcorp Genetics (formerly Invitae), Labcorp
Classification: Likely pathogenic. Last evaluated: 2023-01-24. Review status: criteria provided, single submitter. Criteria: Invitae Variant Classification Sherloc (09022015). Collection method: clinical testing. Allele origin: germline.
Comment: This sequence change affects an acceptor splice site in intron 10 of the HPS4 gene. It is expected to disrupt RNA splicing. Variants that disrupt the donor or acceptor splice site typically lead to a loss of protein function (PMID: 16199547), and loss-of-function variants in HPS4 are known to be pathogenic (PMID: 12664304). This variant is not present in population databases (gnomAD no frequency). This variant has not been reported in the literature in individuals affected with HPS4-related conditions. Algorithms developed to predict the effect of sequence changes on RNA splicing suggest that this variant may disrupt the consensus splice site. In summary, the currently available evidence indicates that the variant is pathogenic, but additional data are needed to prove that conclusively. Therefore, this variant has been classified as Likely Pathogenic.

Literature cited by the submitters: PubMed 16199547; PubMed 12664304.